The following is an entry in ClinVar:

NM_032578.4(MYPN):c.1130+166A>G

Gene: MYPN (myopalladin; plus strand). Cytogenetic location: 10q21.3.
Variant type: single nucleotide variant.
Coding change: c.1130+166A>G on transcript NM_032578.4 (MANE Select); 166 bases into the intron after coding-DNA position 1130, A replaced by G.
Molecular consequence: intron variant.
Genome position (GRCh38, 1-based): chr10:68,145,692, A>G. VCF-style: chr10-68145692-A-G. GRCh37 (hg19) VCF-style: chr10-69905449-A-G.
Other names: c.1130+166A>G (NM_001256267.2); c.248+166A>G (NM_001256268.2).
Identifiers: ClinVar variation 672830 (VCV000672830.1), dbSNP rs146278013, ClinGen allele CA208180524.

ClinVar aggregate classification (germline): Likely benign (1 of 4 stars; one submission).

Allele frequency attached by ClinVar (database versions not stated): gnomAD 0.00610 and 0.00634; TOPMed 0.00693; 1000 Genomes Project 0.00779; 1000 Genomes Project 30x 0.00890.

Submission:

GeneDx
Classification: Likely benign. Last evaluated: 2018-06-16. Review status: criteria provided, single submitter. Criteria: GeneDx Variant Classification (06012015). Collection method: clinical testing. Allele origin: germline. Affected: yes.
Comment: This variant is considered likely benign or benign based on one or more of the following criteria: it is a conservative change, it occurs at a poorly conserved position in the protein, it is predicted to be benign by multiple in silico algorithms, and/or has population frequency not consistent with disease.